The following is an entry in ClinVar:

ClinVar aggregate classification (germline): Conflicting classifications of pathogenicity. Review status: criteria provided, conflicting classifications (1 of 4 stars). 9 submissions from 9 submitters: Uncertain significance (7); Likely benign (2). Last evaluated 2026-09-01.

Conditions:
SCN4A-related disorder. Also called: SCN4A-related disorders.
Hypokalemic periodic paralysis, type 1. Also called: Hypokalemic Periodic Paralysis Type 1 (AD); HypoPP. Identifiers: Orphanet 681, MedGen C3714580, MONDO:0042979, OMIM 170400.
Hypokalemic periodic paralysis, type 2 (HOKPP2). Identifiers: Orphanet 681, MedGen C2750061, MONDO:0013234, OMIM 613345.
Hyperkalemic periodic paralysis. Also called: Familial hyperkalemic periodic paralysis; Gamstorp disease. Identifiers: Orphanet 682, MedGen C0238357, MONDO:0008224, OMIM 170500, HP:0007215.
Potassium-aggravated myotonia. Also called: MYOTONIA CONGENITA, ACETAZOLAMIDE-RESPONSIVE; MYOTONIA CONGENITA, ATYPICAL; SODIUM CHANNEL MUSCLE DISEASE; Myotonia congenita, atypical, acetazolamide-responsive. Identifiers: Orphanet 612, Orphanet 99734, Orphanet 99735, Orphanet 99736, MedGen C2931826, MONDO:0018959, OMIM 608390.
Congenital myasthenic syndrome 16. Identifiers: Orphanet 590, MedGen C3280112, MONDO:0013620, OMIM 614198.
Paramyotonia congenita of Von Eulenburg. Also called: Paramyotonia Congenita; Eulenburg disease; Myotonia congenita intermittens; Von Eulenburg paramyotonia congenita; PARALYSIS PERIODICA PARAMYOTONICA. Identifiers: Orphanet 684, MedGen C0221055, MONDO:0008195, OMIM 168300. Disease mechanism: loss of function.

Allele frequency attached by ClinVar (database versions not stated): 1000 Genomes Project 0.00060; 1000 Genomes Project 30x 0.00047; TOPMed 0.00052; gnomAD 0.00054; ESP Exome Variant Server 0.00087.
gnomAD v4.1: 1,059 of 1,613,516 alleles (0.066%); highest among the groups gnomAD compares: Non-Finnish European, 0.081%; 2 homozygotes.

Submissions (9):

CeGaT Center for Human Genetics Tuebingen
Classification: Likely benign. Last evaluated: 2026-09-01. Review status: criteria provided, single submitter. Criteria: CeGaT Center For Human Genetics Tuebingen Variant Classification Criteria Version 2. Collection method: clinical testing. Allele origin: germline. Affected: yes. Observed: 3 variant alleles.
Comment: SCN4A: BS1

PreventionGenetics, part of Exact Sciences
Classification: Likely benign for SCN4A-related condition. Last evaluated: 2026-02-16. Review status: criteria provided, single submitter. Criteria: ACMG Guidelines, 2015. Collection method: clinical testing. Allele origin: germline.
Comment: This variant is classified as likely benign based on ACMG/AMP sequence variant interpretation guidelines (Richards et al. 2015 PMID: 25741868, with internal and published modifications).

Labcorp Genetics (formerly Invitae), Labcorp
Classification: Uncertain significance for Hyperkalemic periodic paralysis. Last evaluated: 2026-01-08. Review status: criteria provided, single submitter. Criteria: Invitae Variant Classification Sherloc (09022015). Collection method: clinical testing. Allele origin: germline.
Comment: This sequence change replaces arginine, which is basic and polar, with serine, which is neutral and polar, at codon 18 of the SCN4A protein (p.Arg18Ser). This variant is present in population databases (rs78592515, gnomAD 0.08%), including at least one homozygous and/or hemizygous individual. This variant has not been reported in the literature in individuals affected with SCN4A-related conditions. ClinVar contains an entry for this variant (Variation ID: 436668). Invitae Evidence Modeling of protein sequence and biophysical properties (such as structural, functional, and spatial information, amino acid conservation, physicochemical variation, residue mobility, and thermodynamic stability) has been performed for this missense variant. However, the output from this modeling did not meet the statistical confidence thresholds required to predict the impact of this variant on SCN4A protein function. In summary, the available evidence is currently insufficient to determine the role of this variant in disease. Therefore, it has been classified as a Variant of Uncertain Significance.

GeneDx
Classification: Uncertain significance. Last evaluated: 2025-12-18. Review status: criteria provided, single submitter. Criteria: GeneDx Variant Classification Process June 2021. Collection method: clinical testing. Allele origin: germline. Affected: yes.
Comment: In silico analysis supports that this missense variant has a deleterious effect on protein structure/function; Has not been previously published as pathogenic or benign to our knowledge

Women's Health and Genetics/Laboratory Corporation of America, LabCorp
Classification: Uncertain significance. Last evaluated: 2025-08-18. Review status: criteria provided, single submitter. Criteria: LabCorp Variant Classification Summary - May 2015. Collection method: clinical testing. Allele origin: germline.
Comment: Variant summary: SCN4A c.52C>A (p.Arg18Ser) results in a non-conservative amino acid change in the encoded protein sequence. Algorithms developed to predict the effect of missense changes on protein structure and function all suggest that this variant is likely to be disruptive. The variant allele was found at a frequency of 0.00038 in 247522 control chromosomes in the gnomAD database, including 1 homozygotes. This frequency is not significantly higher than estimated for a pathogenic variant in SCN4A causing Congenital Myopathy 22A, Classic (0.00038 vs 0.0011), allowing no conclusion about variant significance. To our knowledge, no occurrence of c.52C>A in individuals affected with Congenital Myopathy 22A, Classic and no experimental evidence demonstrating its impact on protein function have been reported. ClinVar contains an entry for this variant (Variation ID: 436668). Based on the evidence outlined above, the variant was classified as uncertain significance.

Mayo Clinic Laboratories, Mayo Clinic
Classification: Uncertain significance. Last evaluated: 2024-07-31. Review status: criteria provided, single submitter. Criteria: ACMG Guidelines, 2015. Collection method: clinical testing. Allele origin: germline. Observed: 2 variant alleles.

Fulgent Genetics
Classification: Uncertain significance for Paramyotonia congenita of Von Eulenburg; Hypokalemic periodic paralysis, type 1; Hyperkalemic periodic paralysis; Potassium-aggravated myotonia; Hypokalemic periodic paralysis, type 2; Congenital myasthenic syndrome 16. Last evaluated: 2022-05-25. Review status: criteria provided, single submitter. Criteria: ACMG Guidelines, 2015. Collection method: clinical testing. Allele origin: unknown.

Genetic Services Laboratory, University of Chicago
Classification: Uncertain significance. Last evaluated: 2017-02-02. Review status: criteria provided, single submitter. Criteria: ACMG Guidelines, 2015. Collection method: clinical testing. Allele origin: germline. Affected: no.

Breakthrough Genomics
Classification: Uncertain significance. Review status: criteria provided, single submitter. Criteria: ACMG Guidelines, 2015. Collection method: not provided. Allele origin: germline. Inheritance: Autosomal recessive inheritance. Affected: yes.

NM_000334.4(SCN4A):c.52C>A (p.Arg18Ser)

Gene: SCN4A (sodium voltage-gated channel alpha subunit 4; minus strand). Cytogenetic location: 17q23.3.
Variant type: single nucleotide variant.
Coding change: c.52C>A on transcript NM_000334.4 (MANE Select); coding-DNA position 52, C replaced by A.
Protein change: p.Arg18Ser; replaces arginine 18 with serine.
Molecular consequence: missense variant.
Genome position (GRCh38, 1-based): chr17:63,972,790, G>T on the plus strand (C>A on the coding strand, the complement: SCN4A is on the minus strand). VCF-style: chr17-63972790-G-T. GRCh37 (hg19) VCF-style: chr17-62050150-G-T.
Other names: p.Arg18Ser; short protein forms R18S.
Identifiers: ClinVar variation 436668 (VCV000436668.43), dbSNP rs78592515, ClinGen allele CA8710300.